The following is an entry in ClinVar:

ClinVar aggregate classification (germline): Pathogenic (1 of 4 stars; one submission).

Conditions:
Hereditary breast ovarian cancer syndrome. Also called: Hereditary breast and ovarian cancer; Hereditary breast and ovarian cancer syndrome (HBOC); BRCA1- and BRCA2-Associated Hereditary Breast and Ovarian Cancer; Hereditary breast and ovarian cancer syndrome; Hereditary breast and/or ovarian cancer syndrome; Breast and ovarian cancer. Identifiers: Orphanet 145, MedGen C0677776, MeSH D061325, MONDO:0003582. Disease mechanism: loss of function.

Submission:

Labcorp Genetics (formerly Invitae), Labcorp
Classification: Pathogenic for Hereditary breast ovarian cancer syndrome. Last evaluated: 2023-11-20. Review status: criteria provided, single submitter. Criteria: Invitae Variant Classification Sherloc (09022015). Collection method: clinical testing. Allele origin: germline.
Comment: This sequence change creates a premature translational stop signal (p.Lys1875Thrfs*32) in the BRCA2 gene. It is expected to result in an absent or disrupted protein product. Loss-of-function variants in BRCA2 are known to be pathogenic (PMID: 20104584). This variant is not present in population databases (gnomAD no frequency). This premature translational stop signal has been observed in individual(s) with a personal and/or family history of breast and/or ovarian cancer (PMID: 26187060). ClinVar contains an entry for this variant (Variation ID: 639602). For these reasons, this variant has been classified as Pathogenic.

Literature cited by the submitters: PubMed 20104584; PubMed 26187060.

NM_000059.4(BRCA2):c.5622_5628del (p.Lys1875fs)

Gene: BRCA2 (BRCA2 DNA repair associated; plus strand). Cytogenetic location: 13q13.1.
Variant type: Deletion.
Coding change: c.5622_5628del on transcript NM_000059.4 (MANE Select); coding-DNA positions 5622 to 5628, 7 bases deleted (TAAGGAA; older notation c.5622_5628delTAAGGAA).
Protein change: p.Lys1875fs; shifts the reading frame from lysine 1875.
Molecular consequence: frameshift variant.
Genome position (GRCh38, 1-based): chr13:32,339,977-32,339,983, TAAGGAA deleted. VCF-style (leftmost placement, unchanged base first): chr13-32339976-TTAAGGAA-T. GRCh37 (hg19) VCF-style: chr13-32914113-TTAAGGAA-T.
Other names: c.5622_5628delTAAGGAA (NM_000059.3); short protein forms K1875fs.
Identifiers: ClinVar variation 639602 (VCV000639602.11), dbSNP rs1593905977, ClinGen allele CA915948496.